The following is an entry in ClinVar:

NM_001377229.1(DISP1):c.1530C>T (p.Ala510=)

Gene: DISP1 (dispatched RND transporter family member 1; plus strand). Cytogenetic location: 1q41.
Variant type: single nucleotide variant.
Coding change: c.1530C>T on transcript NM_001377229.1 (MANE Select); coding-DNA position 1530, C replaced by T.
Protein change: p.Ala510=; no amino-acid change (alanine 510 retained).
Molecular consequence: synonymous variant.
Genome position (GRCh38, 1-based): chr1:223,002,927, C>T. VCF-style: chr1-223002927-C-T. GRCh37 (hg19) VCF-style: chr1-223176269-C-T.
Other names: c.801C>T, p.Ala267= (NM_001350630.2); c.1530C>T, p.Ala510= (NM_001369594.1, NM_001377228.1, NM_032890.5).
Identifiers: ClinVar variation 3047933 (VCV003047933.2), dbSNP rs2528294372, ClinGen allele CA423722001.
Genomic context (GRCh38, chr1:223,002,927, plus strand): 5'-TATCAAACACAGTTTGTTTCAGGATTATCTTCTAATGGATACTGTGTATCCTGCCATAGC[C>T]ATTGTGATTGTCCTTTTAGTTATGTGTGTCTACACCAAGTCCATGTTTATCACTCTGATG-3'
Protein context (NP_001364158.1, residues 500-520): LLMDTVYPAI[Ala510=]IVIVLLVMCV

ClinVar aggregate classification (germline): Likely benign (0 of 4 stars; one submission).

Conditions:
DISP1-related disorder. Also called: DISP1-related condition.

Submission:

PreventionGenetics, part of Exact Sciences
Classification: Likely benign for DISP1-related condition. Last evaluated: 2022-06-06. Review status: no assertion criteria provided. Collection method: clinical testing. Allele origin: germline.
Comment: This variant is classified as likely benign based on ACMG/AMP sequence variant interpretation guidelines (Richards et al. 2015 PMID: 25741868, with internal and published modifications).